The following is an entry in ClinVar:

NM_000289.6(PFKM):c.2334T>G (p.Ala778=)

Gene: PFKM (phosphofructokinase, muscle; plus strand). Cytogenetic location: 12q13.11.
Variant type: single nucleotide variant.
Coding change: c.2334T>G on transcript NM_000289.6 (MANE Select); coding-DNA position 2334, T replaced by G.
Protein change: p.Ala778=; no amino-acid change (alanine 778 retained).
Molecular consequence: synonymous variant. On other transcripts: non-coding transcript variant (6).
Genome position (GRCh38, 1-based): chr12:48,145,699, T>G. VCF-style: chr12-48145699-T-G. GRCh37 (hg19) VCF-style: chr12-48539482-T-G.
Other names: c.2547T>G, p.Ala849= (NM_001166686.2, NM_001354737.1, NM_001354738.1 and 1 more transcripts); c.2334T>G, p.Ala778= (NM_001166687.2, NM_001166688.2, NM_001354742.2 and 2 more transcripts); c.2643T>G, p.Ala881= (NM_001354735.1, NM_001354736.1); c.2478T>G, p.Ala826= (NM_001354740.1); c.2358T>G, p.Ala786= (NM_001354741.2); c.2247T>G, p.Ala749= (NM_001354745.2); c.2208T>G, p.Ala736= (NM_001354746.2); c.2184T>G, p.Ala728= (NM_001354747.2, NM_001354748.2); and 1 more.
Identifiers: ClinVar variation 255758 (VCV000255758.39), dbSNP rs8716, ClinGen allele CA6537591.

ClinVar aggregate classification (germline): Benign. Review status: criteria provided, multiple submitters, no conflicts (2 of 4 stars). 12 submissions from 12 submitters: Benign (8). 4 of the submissions do not count toward it. Last evaluated 2026-02-04.

Conditions:
Glycogen storage disease, type VII (GSD7). Also called: MUSCLE PHOSPHOFRUCTOKINASE DEFICIENCY; PFKM DEFICIENCY; TARUI DISEASE; GSD VII. Identifiers: Orphanet 371, MedGen C0017926, MONDO:0009295, OMIM 232800.

Allele frequency attached by ClinVar (database versions not stated): 1000 Genomes Project 30x 0.20128; 1000 Genomes Project 0.20427; TOPMed 0.26800; gnomAD 0.28436 and 0.28514; ESP Exome Variant Server 0.29248.
gnomAD v4.1: 569,561 of 1,613,540 alleles (35%); highest among the groups gnomAD compares: Non-Finnish European, 39%; 106,543 homozygotes.

Submissions (12):

Labcorp Genetics (formerly Invitae), Labcorp
Classification: Benign for Glycogen storage disease, type VII. Last evaluated: 2026-02-04. Review status: criteria provided, single submitter. Criteria: Invitae Variant Classification Sherloc (09022015). Collection method: clinical testing. Allele origin: germline.

ARUP Laboratories, Molecular Genetics and Genomics, ARUP Laboratories
Classification: Benign for Glycogen storage disease, type VII. Last evaluated: 2025-07-28. Review status: criteria provided, single submitter. Criteria: ARUP Molecular Germline Variant Investigation Process 2024. Collection method: clinical testing. Allele origin: germline.

Genome-Nilou Lab
Classification: Benign for Glycogen storage disease, type VII. Last evaluated: 2021-09-05. Review status: criteria provided, single submitter. Criteria: ACMG Guidelines, 2015. Collection method: clinical testing. Allele origin: germline. Affected: no.

Pars Genome Lab
Classification: Benign for Glycogen storage disease, type VII. Last evaluated: 2021-07-01. Review status: criteria provided, single submitter. Criteria: ACMG Guidelines, 2015. Collection method: clinical testing. Allele origin: germline. Affected: no.

Illumina Laboratory Services, Illumina
Classification: Benign for Glycogen storage disease, type VII. Last evaluated: 2018-01-12. Review status: criteria provided, single submitter. Criteria: ICSL Variant Classification Criteria 13 December 2019. Collection method: clinical testing. Allele origin: germline.
Comment: This variant was observed in the ICSL laboratory as part of a predisposition screen in an ostensibly healthy population. It had not been previously curated by ICSL or reported in the Human Gene Mutation Database (HGMD: prior to June 1st, 2018), and was therefore a candidate for classification through an automated scoring system. Utilizing variant allele frequency, disease prevalence and penetrance estimates, and inheritance mode, an automated score was calculated to assess if this variant is too frequent to cause the disease. Based on the score and internal cut-off values, a variant classified as benign is not then subjected to further curation. The score for this variant resulted in a classification of benign for this disease.

GeneDx
Classification: Benign. Last evaluated: 2015-12-04. Review status: criteria provided, single submitter. Criteria: GeneDx Variant Classification (06012015). Collection method: clinical testing. Allele origin: germline. Affected: yes.
Comment: This variant is considered likely benign or benign based on one or more of the following criteria: it is a conservative change, it occurs at a poorly conserved position in the protein, it is predicted to be benign by multiple in silico algorithms, and/or has population frequency not consistent with disease.

Breakthrough Genomics
Classification: Benign. Review status: criteria provided, single submitter. Criteria: ACMG Guidelines, 2015. Collection method: not provided. Allele origin: germline. Inheritance: Autosomal recessive inheritance. Affected: yes.

PreventionGenetics, part of Exact Sciences
Classification: Benign. Review status: criteria provided, single submitter. Criteria: ACMG Guidelines, 2015. Collection method: clinical testing. Allele origin: germline.

Natera, Inc.
Classification: Benign for Glycogen storage disease type VII. Last evaluated: 2020-09-16. Review status: no assertion criteria provided. Collection method: clinical testing. Allele origin: germline. Not counted in ClinVar's aggregate classification.

Mayo Clinic Laboratories, Mayo Clinic
Classification: Benign. Last evaluated: 2015-10-21. Review status: no assertion criteria provided. Collection method: clinical testing. Allele origin: unknown. Not counted in ClinVar's aggregate classification.

Diagnostic Laboratory, Department of Genetics, University Medical Center Groningen
Classification: Benign. Review status: no assertion criteria provided. Collection method: clinical testing. Allele origin: germline. Affected: yes. Study: VKGL Data-share Consensus. Not counted in ClinVar's aggregate classification.

Joint Genome Diagnostic Labs from Nijmegen and Maastricht, Radboudumc and MUMC+
Classification: Benign. Review status: no assertion criteria provided. Collection method: clinical testing. Allele origin: germline. Affected: yes. Study: VKGL Data-share Consensus. Not counted in ClinVar's aggregate classification.